The following is an entry in ClinVar:

NM_002055.5(GFAP):c.1171+466C>T

Gene: GFAP (glial fibrillary acidic protein; minus strand). Cytogenetic location: 17q21.31.
Variant type: single nucleotide variant.
Coding change: c.1171+466C>T on transcript NM_002055.5 (MANE Select); 466 bases into the intron after coding-DNA position 1171, C replaced by T.
Molecular consequence: intron variant. On other transcripts: missense variant (2), 3 prime UTR variant (1).
Genome position (GRCh38, 1-based): chr17:44,910,149, G>A on the plus strand (C>T on the coding strand, the complement: GFAP is on the minus strand). VCF-style: chr17-44910149-G-A. GRCh37 (hg19) VCF-style: chr17-42987517-G-A.
Other names: c.1283C>T, p.Pro428Leu (NM_001131019.3, NM_001363846.2); c.*320C>T (NM_001242376.3); short protein forms P428L.
Identifiers: ClinVar variation 5038731 (VCV005038731.1).
Genomic context (GRCh38, chr17:44,910,149, plus strand): 5'-CACTCCCTGTCAAGCTGGGCAAAGCGCCGTGTCTGAGAGGCAGGCAGCTAACCGCGAGCC[G>A]GCGGCGTTCCATTTACAATCTGGTGAGCCTGTATTGGTATAACTCGTATTGTGAGGCTTT-3'

ClinVar aggregate classification (germline): Likely benign (1 of 4 stars; one submission).

gnomAD v4.1: 31 of 1,613,970 alleles (0.0019%); highest among the groups gnomAD compares: Middle Eastern, 0.016%; no homozygotes.

Submission:

CeGaT Center for Human Genetics Tuebingen
Classification: Likely benign. Last evaluated: 2026-07-01. Review status: criteria provided, single submitter. Criteria: CeGaT Center For Human Genetics Tuebingen Variant Classification Criteria Version 2. Collection method: clinical testing. Allele origin: germline. Affected: yes. Observed: 1 variant allele.
Comment: GFAP: BP4